The following is an entry in ClinVar:

NM_012318.3(LETM1):c.550C>T (p.Arg184Cys)

Gene: LETM1 (leucine zipper and EF-hand containing transmembrane protein 1; minus strand). Cytogenetic location: 4p16.3.
Variant type: single nucleotide variant.
Coding change: c.550C>T on transcript NM_012318.3 (MANE Select); coding-DNA position 550, C replaced by T.
Protein change: p.Arg184Cys; replaces arginine 184 with cysteine.
Molecular consequence: missense variant.
Genome position (GRCh38, 1-based): chr4:1,841,391, G>A on the plus strand (C>T on the coding strand, the complement: LETM1 is on the minus strand). VCF-style: chr4-1841391-G-A. GRCh37 (hg19) VCF-style: chr4-1843118-G-A.
Other names: short protein forms R184C.
Identifiers: ClinVar variation 1473181 (VCV001473181.7), dbSNP rs762433668, ClinGen allele CA2811608.
Genomic context (GRCh38, chr4:1,841,391, plus strand): 5'-GACATGTCCCCATTACCTGCCTGCGCTCCCGGCGGGTCAGGCTGTGGCCGTTGAGGATGC[G>A]CCAGAGCATGCGTGCCGCGATCTTGGTGTCGATCCATAGCAGGCGGAAGCCATGGTAGTA-3'
Protein context (NP_036450.1, residues 174-194): DTKIAARMLW[Arg184Cys]ILNGHSLTRR

ClinVar aggregate classification (germline): Uncertain significance (1 of 4 stars; one submission).

Allele frequency attached by ClinVar (database versions not stated): TOPMed below 0.00001; gnomAD 0.00001; gnomAD exomes 0.00001; ExAC 0.00002.
gnomAD v4.1: 10 of 1,613,936 alleles (0.00062%); highest among the groups gnomAD compares: Non-Finnish European, 0.00085%; no homozygotes.

Submissions (2):

Labcorp Genetics (formerly Invitae), Labcorp
Classification: Uncertain significance. Last evaluated: 2024-10-14. Review status: criteria provided, single submitter. Criteria: Invitae Variant Classification Sherloc (09022015). Collection method: clinical testing. Allele origin: germline.
Comment: This sequence change replaces arginine, which is basic and polar, with cysteine, which is neutral and slightly polar, at codon 184 of the LETM1 protein (p.Arg184Cys). This variant is present in population databases (rs762433668, gnomAD 0.002%). This variant has not been reported in the literature in individuals affected with LETM1-related conditions. ClinVar contains an entry for this variant (Variation ID: 1473181). An algorithm developed to predict the effect of missense changes on protein structure and function (PolyPhen-2) suggests that this variant is likely to be disruptive. In summary, the available evidence is currently insufficient to determine the role of this variant in disease. Therefore, it has been classified as a Variant of Uncertain Significance.

Dr. Peter K. Rogan Lab, Western University
No classification provided (evidence only). Condition: Gastric cancer. Review status: no classification provided. Collection method: in vitro. Allele origin: not applicable. Functional consequence: retained intron. Not counted in ClinVar's aggregate classification.